The following is an entry in ClinVar:

NM_198578.4(LRRK2):c.2722T>C (p.Ser908Pro)

Gene: LRRK2 (leucine rich repeat kinase 2; plus strand). Cytogenetic location: 12q12.
Variant type: single nucleotide variant.
Coding change: c.2722T>C on transcript NM_198578.4 (MANE Select); coding-DNA position 2722, T replaced by C.
Protein change: p.Ser908Pro; replaces serine 908 with proline.
Molecular consequence: missense variant.
Genome position (GRCh38, 1-based): chr12:40,293,577, T>C. VCF-style: chr12-40293577-T-C. GRCh37 (hg19) VCF-style: chr12-40687379-T-C.
Other names: short protein forms S908P.
Identifiers: ClinVar variation 3229573 (VCV003229573.1), dbSNP rs1944247293, ClinGen allele CA384410760.

ClinVar aggregate classification (germline): Uncertain significance (1 of 4 stars; one submission).

Conditions:
Inborn genetic diseases. Identifiers: MedGen C0950123, MeSH D030342.

Allele frequency attached by ClinVar (database versions not stated): gnomAD exomes below 0.00001; TOPMed below 0.00001.
gnomAD v4.1: 1 of 1,610,636 alleles (0.000062%); highest among the groups gnomAD compares: Non-Finnish European, 0.000085%; no homozygotes.

Submission:

Ambry Genetics
Classification: Uncertain significance for Inborn genetic diseases. Last evaluated: 2024-01-20. Review status: criteria provided, single submitter. Criteria: Ambry Variant Classification Scheme 2023. Collection method: clinical testing. Allele origin: germline.
Comment: The p.S908P variant (also known as c.2722T>C), located in coding exon 21 of the LRRK2 gene, results from a T to C substitution at nucleotide position 2722. The serine at codon 908 is replaced by proline, an amino acid with similar properties. This amino acid position is conserved. In addition, this alteration is predicted to be deleterious by in silico analysis. Based on the available evidence, the clinical significance of this alteration remains unclear.